The following is an entry in ClinVar:

ClinVar aggregate classification (germline): Conflicting classifications of pathogenicity. Review status: criteria provided, conflicting classifications (1 of 4 stars). 5 submissions from 5 submitters: Pathogenic (1); Likely pathogenic (3); Uncertain significance (1). Last evaluated 2025-01-21.

Conditions:
Glutaric aciduria, type 1. Also called: GA I; Glutaricacidemia Type 1; Glutaricaciduria, type I; Glutaric Acidemia Type 1; Glutaryl-CoA dehydrogenase deficiency; Glutaric acidemia type I. Identifiers: Orphanet 25, MedGen C0268595, MONDO:0009281, OMIM 231670.

Allele frequency attached by ClinVar (database versions not stated): ExAC 0.00001; gnomAD 0.00001; gnomAD exomes 0.00001; TOPMed 0.00002.

Submissions (5):

Natera, Inc.
Classification: Likely pathogenic for Glutaric acidemia type 1. Last evaluated: 2025-01-21. Review status: criteria provided, single submitter. Criteria: Natera Variant Classification Schema (03/2026). Collection method: clinical testing. Allele origin: germline.
Comment: The c.901G>A variant in GCDH is a missense variant predicted to cause substitution of valine to methionine at amino acid 301. This variant is rare in the general population with a frequency below the threshold expected for the associated phenotype(s). This variant has been observed in one or more individuals affected with the associated recessive disease, as either homozygous or compound heterozygous with a second variant (PMID: 24332224). This variant has been identified in one or more affected individuals with a phenotype highly consistent with the associated gene (PMID: 24332224). Computational prediction algorithms indicate this variant is likely to affect gene or protein function. Given the available evidence, this variant is classified as Likely Pathogenic.

Women's Health and Genetics/Laboratory Corporation of America, LabCorp
Classification: Uncertain significance. Last evaluated: 2024-09-09. Review status: criteria provided, single submitter. Criteria: LabCorp Variant Classification Summary - May 2015. Collection method: clinical testing. Allele origin: germline.
Comment: Variant summary: GCDH c.901G>A (p.Val301Met) results in a conservative amino acid change located in the acyl-CoA dehydrogenase/oxidase, C-terminal domain (IPR009075) of the encoded protein sequence. Four of five in-silico tools predict a damaging effect of the variant on protein function. The variant allele was found at a frequency of 8e-06 in 250462 control chromosomes. c.901G>A has been reported in the literature as a compound heterozygous genotype in at least two individuals affected with Glutaric Acidemia Type 1 (e.g. Wang_2014, Xiao_2020). These data indicate that the variant may be associated with disease. To our knowledge, no experimental evidence demonstrating an impact on protein function has been reported. The following publications have been ascertained in the context of this evaluation (PMID: 34306040, 37020324, 24332224, 32508882). ClinVar contains an entry for this variant (Variation ID: 2138250). Based on the evidence outlined above, the variant was classified as VUS-possibly pathogenic.

Baylor Genetics
Classification: Likely pathogenic for Glutaric aciduria, type 1. Last evaluated: 2023-11-22. Review status: criteria provided, single submitter. Criteria: ACMG Guidelines, 2015. Collection method: clinical testing. Allele origin: unknown.

Labcorp Genetics (formerly Invitae), Labcorp
Classification: Pathogenic for Glutaric aciduria, type 1. Last evaluated: 2023-09-17. Review status: criteria provided, single submitter. Criteria: Invitae Variant Classification Sherloc (09022015). Collection method: clinical testing. Allele origin: germline.
Comment: This sequence change replaces valine, which is neutral and non-polar, with methionine, which is neutral and non-polar, at codon 301 of the GCDH protein (p.Val301Met). This variant is present in population databases (rs751186776, gnomAD 0.003%). This missense change has been observed in individual(s) with glutaric acidemia, type 1 (PMID: 24332224, 32508882). In at least one individual the data is consistent with being in trans (on the opposite chromosome) from a pathogenic variant. ClinVar contains an entry for this variant (Variation ID: 2138250). Advanced modeling of protein sequence and biophysical properties (such as structural, functional, and spatial information, amino acid conservation, physicochemical variation, residue mobility, and thermodynamic stability) performed at Invitae indicates that this missense variant is not expected to disrupt GCDH protein function. For these reasons, this variant has been classified as Pathogenic.

Juno Genomics, Hangzhou Juno Genomics, Inc
Classification: Likely pathogenic for Glutaric aciduria, type 1. Review status: criteria provided, single submitter. Criteria: ACMG Guidelines, 2015. Collection method: clinical testing. Allele origin: germline.
Comment: Absent from controls (or at extremely low frequency if recessive) in Genome Aggregation Database.;Multiple lines of computational evidence support a deleterious effect on the gene or gene product.;For recessive disorders, detected in trans with a pathogenic variant.;Patient's phenotype or family history is highly specific for a disease with a single genetic etiology.

Literature cited by the submitters: PubMed 24332224 (cited by 3 submitters); PubMed 34306040 (cited by Women's Health and Genetics/Laboratory Corporation of America, LabCorp); PubMed 32508882 (cited by Women's Health and Genetics/Laboratory Corporation of America, LabCorp and Labcorp Genetics (formerly Invitae), Labcorp); PubMed 37020324 (cited by Women's Health and Genetics/Laboratory Corporation of America, LabCorp).

NM_000159.4(GCDH):c.901G>A (p.Val301Met)

Gene: GCDH (glutaryl-CoA dehydrogenase; plus strand). Cytogenetic location: 19p13.13.
Variant type: single nucleotide variant.
Coding change: c.901G>A on transcript NM_000159.4 (MANE Select); coding-DNA position 901, G replaced by A.
Protein change: p.Val301Met; replaces valine 301 with methionine.
Molecular consequence: missense variant. On other transcripts: non-coding transcript variant (2).
Genome position (GRCh38, 1-based): chr19:12,896,958, G>A. VCF-style: chr19-12896958-G-A. GRCh37 (hg19) VCF-style: chr19-13007772-G-A.
Other names: c.901G>A (NM_000159.3); c.901G>A, p.Val301Met (NM_013976.5); short protein forms V301M.
Identifiers: ClinVar variation 2138250 (VCV002138250.11), dbSNP rs751186776, ClinGen allele CA9234544.